The following is an entry in ClinVar:

ClinVar aggregate classification (germline): Benign. Review status: criteria provided, multiple submitters, no conflicts (2 of 4 stars). 3 submissions from 2 submitters: Benign (3). Last evaluated 2021-05-12.

Conditions:
Angiokeratoma corporis diffusum with arteriovenous fistulas. Identifiers: MedGen C1838141, MONDO:0010885, OMIM 600419.
Cerebral cavernous malformation (CCM). Also called: CAVERNOUS ANGIOMA, FAMILIAL; CAVERNOUS ANGIOMATOUS MALFORMATIONS; CEREBRAL CAPILLARY MALFORMATIONS; Cavernous Hemangioma of Brain; Cerebral cavernous hemangioma (type); Cerebral cavernous malformations. Identifiers: Orphanet 221061, MedGen C2919945, MONDO:0000820, OMIM 116860, HP:0033522.

Allele frequency attached by ClinVar (database versions not stated): gnomAD exomes 0.00301; 1000 Genomes Project 0.02336; 1000 Genomes Project 30x 0.02467; gnomAD 0.02482 and 0.02669; TOPMed 0.02794.
gnomAD v4.1: 4,533 of 409,820 alleles (1.1%); highest among the groups gnomAD compares: African/African-American, 8.6%; 198 homozygotes.

Submissions (3):

GeneDx
Classification: Benign. Last evaluated: 2021-05-12. Review status: criteria provided, single submitter. Criteria: GeneDx Variant Classification Process June 2021. Collection method: clinical testing. Allele origin: germline. Affected: yes.

Illumina Laboratory Services, Illumina
Classification: Benign for Cerebral cavernous malformation. Last evaluated: 2018-01-12. Review status: criteria provided, single submitter. Criteria: ICSL Variant Classification Criteria 13 December 2019. Collection method: clinical testing. Allele origin: germline.
Comment: This variant was observed in the ICSL laboratory as part of a predisposition screen in an ostensibly healthy population. It had not been previously curated by ICSL or reported in the Human Gene Mutation Database (HGMD: prior to June 1st, 2018), and was therefore a candidate for classification through an automated scoring system. Utilizing variant allele frequency, disease prevalence and penetrance estimates, and inheritance mode, an automated score was calculated to assess if this variant is too frequent to cause the disease. Based on the score and internal cut-off values, a variant classified as benign is not then subjected to further curation. The score for this variant resulted in a classification of benign for this disease.

Illumina Laboratory Services, Illumina
Classification: Benign for Angiokeratoma corporis diffusum with arteriovenous fistulas. Last evaluated: 2018-01-12. Review status: criteria provided, single submitter. Criteria: ICSL Variant Classification Criteria 13 December 2019. Collection method: clinical testing. Allele origin: germline.
Comment: the same text as in the submission from Illumina Laboratory Services, Illumina above.

NM_194454.3(KRIT1):c.*272G>A

Gene: KRIT1 (KRIT1 ankyrin repeat containing; minus strand). Cytogenetic location: 7q21.2.
Variant type: single nucleotide variant.
Coding change: c.*272G>A on transcript NM_194454.3 (MANE Select); 272 bases downstream of the stop codon, G replaced by A.
Molecular consequence: 3 prime UTR variant.
Genome position (GRCh38, 1-based): chr7:92,200,464, C>T on the plus strand (G>A on the coding strand, the complement: KRIT1 is on the minus strand). VCF-style: chr7-92200464-C-T. GRCh37 (hg19) VCF-style: chr7-91829778-C-T.
Other names: c.*272G>A (NM_001013406.2, NM_001350669.1, NM_001350670.1 and 30 more transcripts).
Identifiers: ClinVar variation 360876 (VCV000360876.8), dbSNP rs28502064, ClinGen allele CA10629591.